The following is an entry in ClinVar:

ClinVar aggregate classification (germline): Pathogenic (1 of 4 stars; one submission).

Conditions:
Jeune thoracic dystrophy. Also called: Jeune syndrome; Infantile thoracic dystrophy; Thoracic pelvic phalangeal dystrophy; Jeune's syndrome; Chondroectodermal dysplasia-like syndrome; Short-rib thoracic dysplasia. Identifiers: Orphanet 474, MedGen C0265275, MONDO:0018770.

Submission:

Labcorp Genetics (formerly Invitae), Labcorp
Classification: Pathogenic for Jeune thoracic dystrophy. Last evaluated: 2022-05-25. Review status: criteria provided, single submitter. Criteria: Invitae Variant Classification Sherloc (09022015). Collection method: clinical testing. Allele origin: germline.
Comment: For these reasons, this variant has been classified as Pathogenic. This variant has not been reported in the literature in individuals affected with DYNC2H1-related conditions. This variant is not present in population databases (gnomAD no frequency). This sequence change creates a premature translational stop signal (p.Arg2235Glyfs*4) in the DYNC2H1 gene. It is expected to result in an absent or disrupted protein product. Loss-of-function variants in DYNC2H1 are known to be pathogenic (PMID: 23339108, 32753734).

Literature cited by the submitters: PubMed 23339108; PubMed 32753734.

NM_001377.3(DYNC2H1):c.6703del (p.Arg2235fs)

Gene: DYNC2H1 (dynein cytoplasmic 2 heavy chain 1; plus strand). Cytogenetic location: 11q22.3.
Variant type: Deletion.
Coding change: c.6703del on transcript NM_001377.3 (MANE Select); coding-DNA position 6703, one base deleted (A; older notation c.6703delA).
Protein change: p.Arg2235fs; shifts the reading frame from arginine 2235.
Molecular consequence: frameshift variant.
Genome position (GRCh38, 1-based): chr11:103,186,311, A deleted. VCF-style (leftmost placement, unchanged base first): chr11-103186310-TA-T. GRCh37 (hg19) VCF-style: chr11-103057039-TA-T.
Other names: c.6703del, p.Arg2235fs (NM_001080463.2); short protein forms R2235fs.
Identifiers: ClinVar variation 1998596 (VCV001998596.4), dbSNP rs2496279887, ClinGen allele CA2580082925.